The following is an entry in ClinVar:

ClinVar aggregate classification (germline): Uncertain significance (1 of 4 stars; one submission).

Conditions:
Autosomal dominant spastic paraplegia type 9. Identifiers: MedGen C1832669, MONDO:0015091.
de Barsy syndrome. Also called: Cutis laxa-corneal clouding-oligophrenia syndrome. Identifiers: Orphanet 2962, MedGen C0268354, MONDO:0017569.
Cutis laxa, autosomal dominant 3 (ADCL3). Identifiers: Orphanet 90348, MedGen C4225268, MONDO:0014706, OMIM 616603.

Allele frequency attached by ClinVar (database versions not stated): gnomAD exomes below 0.00001.
gnomAD v4.1: 2 of 1,613,710 alleles (0.00012%); highest among the groups gnomAD compares: Admixed American, 0.0033%; no homozygotes.

Submission:

Labcorp Genetics (formerly Invitae), Labcorp
Classification: Uncertain significance for Autosomal dominant spastic paraplegia type 9; de Barsy syndrome; Cutis laxa, autosomal dominant 3. Last evaluated: 2022-10-16. Review status: criteria provided, single submitter. Criteria: Invitae Variant Classification Sherloc (09022015). Collection method: clinical testing. Allele origin: germline.
Comment: In summary, the available evidence is currently insufficient to determine the role of this variant in disease. Therefore, it has been classified as a Variant of Uncertain Significance. Advanced modeling of protein sequence and biophysical properties (such as structural, functional, and spatial information, amino acid conservation, physicochemical variation, residue mobility, and thermodynamic stability) has been performed at Invitae for this missense variant, however the output from this modeling did not meet the statistical confidence thresholds required to predict the impact of this variant on ALDH18A1 protein function. This variant has not been reported in the literature in individuals affected with ALDH18A1-related conditions. This variant is not present in population databases (gnomAD no frequency). This sequence change replaces serine, which is neutral and polar, with asparagine, which is neutral and polar, at codon 427 of the ALDH18A1 protein (p.Ser427Asn).

NM_002860.4(ALDH18A1):c.1280G>A (p.Ser427Asn)

Gene: ALDH18A1 (aldehyde dehydrogenase 18 family member A1; minus strand). Cytogenetic location: 10q24.1.
Variant type: single nucleotide variant.
Coding change: c.1280G>A on transcript NM_002860.4 (MANE Select); coding-DNA position 1280, G replaced by A.
Protein change: p.Ser427Asn; replaces serine 427 with asparagine.
Molecular consequence: missense variant.
Genome position (GRCh38, 1-based): chr10:95,621,218, C>T on the plus strand (G>A on the coding strand, the complement: ALDH18A1 is on the minus strand). VCF-style: chr10-95621218-C-T. GRCh37 (hg19) VCF-style: chr10-97380975-C-T.
Other names: c.1274G>A, p.Ser425Asn (NM_001017423.2, NM_001323415.2); c.947G>A, p.Ser316Asn (NM_001323412.2, NM_001323416.2); c.1280G>A, p.Ser427Asn (NM_001323413.2, NM_001323414.2); c.1175G>A, p.Ser392Asn (NM_001323417.2); c.941G>A, p.Ser314Asn (NM_001323418.2); c.644G>A, p.Ser215Asn (NM_001323419.2); short protein forms S215N, S314N, S316N, S392N, S425N, S427N.
Identifiers: ClinVar variation 1721719 (VCV001721719.6), dbSNP rs2526781596, ClinGen allele CA377701790.